The following is an entry in ClinVar:

ClinVar aggregate classification (germline): Benign/Likely benign. Review status: criteria provided, multiple submitters, no conflicts (2 of 4 stars). 13 submissions from 11 submitters: Benign (10); Likely benign (2). 1 of the submissions does not count toward it. Last evaluated 2026-02-04.

Conditions:
Atypical hemolytic-uremic syndrome. Identifiers: Orphanet 2134, MedGen C2931788, MONDO:0016244.
C3 glomerulonephritis. Also called: Nephropathy due to CFHR5 Deficiency; C3 GLOMERULOPATHY 3. Identifiers: Orphanet 329931, MedGen C4055342, MONDO:0013892, OMIM 614809.
Complement component 3 deficiency. Identifiers: Orphanet 280133, MedGen C3151071, MONDO:0013417, OMIM 613779.
Inborn genetic diseases. Identifiers: MedGen C0950123, MeSH D030342.
Age related macular degeneration 9. Identifiers: MedGen C1969651, MONDO:0012659, OMIM 611378.
C3 POLYMORPHISM, HAV 4-1 PLUS/MINUS TYPE.
Atypical hemolytic-uremic syndrome with C3 anomaly. Also called: AHUS, SUSCEPTIBILITY TO, 5. Identifiers: Orphanet 2134, MedGen C2752037, MONDO:0013043, OMIM 612925.
Focal segmental glomerulosclerosis (FSGS). Also called: Glomerulosclerosis, focal; Focal sclerosis with hyalinosis. Identifiers: MedGen C0017668, MONDO:0100313, HP:0000097. Disease mechanism: loss of function.

Allele frequency attached by ClinVar (database versions not stated): 1000 Genomes Project 30x 0.06855; 1000 Genomes Project 0.06989; TOPMed 0.12360; gnomAD 0.13429 and 0.13563; ExAC 0.14287; gnomAD exomes 0.18573.
gnomAD v4.1: 291,273 of 1,613,434 alleles (18%); highest among the groups gnomAD compares: Non-Finnish European, 21%; 29,494 homozygotes.

Submissions (13):

Labcorp Genetics (formerly Invitae), Labcorp
Classification: Benign. Last evaluated: 2026-02-04. Review status: criteria provided, single submitter. Criteria: Invitae Variant Classification Sherloc (09022015). Collection method: clinical testing. Allele origin: germline.

Women's Health and Genetics/Laboratory Corporation of America, LabCorp
Classification: Likely benign. Last evaluated: 2026-01-21. Review status: criteria provided, single submitter. Criteria: LabCorp Variant Classification Summary - May 2015. Collection method: clinical testing. Allele origin: germline.

Genomenon, Inc
Classification: Benign for Complement component 3 deficiency; C3 glomerulonephritis; Atypical hemolytic-uremic syndrome. Last evaluated: 2025-09-30. Review status: criteria provided, single submitter. Criteria: Genomenon Sequence Variant Interpretation Standards. Collection method: curation. Allele origin: germline. Affected: no.
Comment: C3 p.Pro314Leu (c.941C>T) is a missense variant that changes the amino acid at residue 314 from Proline to Leucine. This variant is present at high allele frequency in population databases. In conclusion, we classify C3 p.Pro314Leu (c.941C>T) as a benign variant.

Blueprint Genetics
Classification: Likely benign. Last evaluated: 2024-11-28. Review status: criteria provided, single submitter. Criteria: ACMG Guidelines, 2015. Collection method: clinical testing. Allele origin: germline.

Genome Diagnostics Laboratory, The Hospital for Sick Children
Classification: Benign for Focal segmental glomerulosclerosis. Last evaluated: 2022-09-27. Review status: criteria provided, single submitter. Criteria: ACMG Guidelines, 2015. Collection method: clinical testing. Allele origin: germline.

Mayo Clinic Laboratories, Mayo Clinic
Classification: Benign. Last evaluated: 2022-09-26. Review status: criteria provided, single submitter. Criteria: ACMG Guidelines, 2015. Collection method: clinical testing. Allele origin: germline. Observed: 722 variant alleles.
Comment: BA1

GeneDx
Classification: Benign. Last evaluated: 2021-06-09. Review status: criteria provided, single submitter. Criteria: GeneDx Variant Classification Process June 2021. Collection method: clinical testing. Allele origin: germline. Affected: yes.
Comment: This variant is associated with the following publications: (PMID: 30131807, 19168221, 24736606, 24036950, 21784901, 25688879)

Illumina Laboratory Services, Illumina
Classification: Benign for Age related macular degeneration 9. Last evaluated: 2017-04-27. Review status: criteria provided, single submitter. Criteria: ICSL Variant Classification Criteria 13 December 2019. Collection method: clinical testing. Allele origin: germline.
Comment: This variant was observed as part of a predisposition screen in an ostensibly healthy population. A literature search was performed for the gene, cDNA change, and amino acid change (where applicable). Publications were found based on this search. The evidence from the literature, in combination with allele frequency data from public databases where available, was sufficient to rule this variant out of causing disease. Therefore, this variant is classified as benign.

Illumina Laboratory Services, Illumina
Classification: Benign for Complement component 3 deficiency. Last evaluated: 2017-04-27. Review status: criteria provided, single submitter. Criteria: ICSL Variant Classification Criteria 13 December 2019. Collection method: clinical testing. Allele origin: germline.
Comment: This variant was observed as part of a predisposition screen in an ostensibly healthy population. A literature search was performed for the gene, cDNA change, and amino acid change (where applicable). No publications were found based on this search. Allele frequency data from public databases was too high to be consistent with this variant causing disease. Therefore, this variant is classified as benign.

Illumina Laboratory Services, Illumina
Classification: Benign for Atypical hemolytic-uremic syndrome with C3 anomaly. Last evaluated: 2017-04-27. Review status: criteria provided, single submitter. Criteria: ICSL Variant Classification Criteria 13 December 2019. Collection method: clinical testing. Allele origin: germline.
Comment: the same text as in the submission from Illumina Laboratory Services, Illumina above.

Ambry Genetics
Classification: Benign for Inborn genetic diseases. Last evaluated: 2015-01-23. Review status: criteria provided, single submitter. Criteria: Ambry Variant Classification Scheme 2023. Collection method: clinical testing. Allele origin: germline.

Breakthrough Genomics
Classification: Benign. Review status: criteria provided, single submitter. Criteria: ACMG Guidelines, 2015. Collection method: not provided. Allele origin: germline. Inheritance: Autosomal recessive inheritance. Affected: yes.

OMIM
Classification: Benign for C3 POLYMORPHISM, HAV 4-1 PLUS/MINUS TYPE. Last evaluated: 1990-10-01. Review status: no assertion criteria provided. Collection method: literature only. Allele origin: germline. Not counted in ClinVar's aggregate classification.

Literature cited by the submitters: PubMed 19168221 (cited by Illumina Laboratory Services, Illumina); PubMed 17634448 (cited by Illumina Laboratory Services, Illumina); PubMed 18325906 (cited by Illumina Laboratory Services, Illumina); PubMed 1976733 (cited by OMIM).

NM_000064.4(C3):c.941C>T (p.Pro314Leu)

Gene: C3 (complement C3; minus strand). Cytogenetic location: 19p13.3.
Variant type: single nucleotide variant.
Coding change: c.941C>T on transcript NM_000064.4 (MANE Select); coding-DNA position 941, C replaced by T.
Protein change: p.Pro314Leu; replaces proline 314 with leucine.
Molecular consequence: missense variant.
Genome position (GRCh38, 1-based): chr19:6,713,251, G>A on the plus strand (C>T on the coding strand, the complement: C3 is on the minus strand). VCF-style: chr19-6713251-G-A. GRCh37 (hg19) VCF-style: chr19-6713262-G-A.
Other names: C3, LEU314PRO; L314P; c.941C>T, p.Pro314Leu (LRG_27t1); short protein forms P314L.
Identifiers: ClinVar variation 17057 (VCV000017057.24), dbSNP rs1047286, ClinGen allele CA127064.
Genomic context (GRCh38, chr19:6,713,251, plus strand): 5'-GAGTGCAAGATGACGGTGGCAGACACGTACAAAGACTTCCCCACCAGGTCTTCTGCTCGG[G>A]GGTTCTGCACCCCGTCCAGCAGTACCTTCCGGCTCAGCACAACCTCCCCCGAGCCATCCT-3'
Protein context (NP_000055.2, residues 304-324): RKVLLDGVQN[Pro314Leu]RAEDLVGKSL